The following is an entry in ClinVar:

NM_001286577.2(C2CD3):c.3424A>G (p.Thr1142Ala)

Gene: C2CD3 (C2 domain containing 3 centriole elongation regulator; minus strand). Cytogenetic location: 11q13.4.
Variant type: single nucleotide variant.
Coding change: c.3424A>G on transcript NM_001286577.2 (MANE Select); coding-DNA position 3424, A replaced by G.
Protein change: p.Thr1142Ala; replaces threonine 1142 with alanine.
Molecular consequence: missense variant.
Genome position (GRCh38, 1-based): chr11:74,092,509, T>C on the plus strand (A>G on the coding strand, the complement: C2CD3 is on the minus strand). VCF-style: chr11-74092509-T-C. GRCh37 (hg19) VCF-style: chr11-73803554-T-C.
Other names: c.3424A>G, p.Thr1142Ala (NM_015531.6); short protein forms T1142A.
Identifiers: ClinVar variation 2421913 (VCV002421913.6), dbSNP rs746953208, ClinGen allele CA6182398.

ClinVar aggregate classification (germline): Uncertain significance. Review status: criteria provided, multiple submitters, no conflicts (2 of 4 stars). 2 submissions from 2 submitters: Uncertain significance (2). Last evaluated 2023-12-06.

Allele frequency attached by ClinVar (database versions not stated): ExAC 0.00002; gnomAD exomes 0.00003; gnomAD 0.00005; TOPMed 0.00007.
gnomAD v4.1: 56 of 1,613,170 alleles (0.0035%); highest among the groups gnomAD compares: Non-Finnish European, 0.0043%; no homozygotes.

Submissions (2):

Labcorp Genetics (formerly Invitae), Labcorp
Classification: Uncertain significance. Last evaluated: 2023-12-06. Review status: criteria provided, single submitter. Criteria: Invitae Variant Classification Sherloc (09022015). Collection method: clinical testing. Allele origin: germline.
Comment: This sequence change replaces threonine, which is neutral and polar, with alanine, which is neutral and non-polar, at codon 1142 of the C2CD3 protein (p.Thr1142Ala). This variant is present in population databases (rs746953208, gnomAD 0.009%). This variant has not been reported in the literature in individuals affected with C2CD3-related conditions. ClinVar contains an entry for this variant (Variation ID: 2421913). Advanced modeling of protein sequence and biophysical properties (such as structural, functional, and spatial information, amino acid conservation, physicochemical variation, residue mobility, and thermodynamic stability) performed at Invitae indicates that this missense variant is not expected to disrupt C2CD3 protein function with a negative predictive value of 80%. In summary, the available evidence is currently insufficient to determine the role of this variant in disease. Therefore, it has been classified as a Variant of Uncertain Significance.

Breakthrough Genomics
Classification: Uncertain significance. Review status: criteria provided, single submitter. Criteria: ACMG Guidelines, 2015. Collection method: not provided. Allele origin: germline. Inheritance: Autosomal recessive inheritance. Affected: yes.